The following is an entry in ClinVar:

ClinVar aggregate classification (germline): Uncertain significance (1 of 4 stars; one submission).

Conditions:
Cardiovascular phenotype. Identifiers: MedGen CN230736.

Allele frequency attached by ClinVar (database versions not stated): gnomAD exomes below 0.00001.
gnomAD v4.1: 3 of 1,614,176 alleles (0.00019%); highest among the groups gnomAD compares: East Asian, 0.0022%; no homozygotes.

Submission:

Ambry Genetics
Classification: Uncertain significance for Cardiovascular phenotype. Last evaluated: 2021-12-29. Review status: criteria provided, single submitter. Criteria: Ambry Variant Classification Scheme 2023. Collection method: clinical testing. Allele origin: germline.
Comment: The p.H1202R variant (also known as c.3605A>G), located in coding exon 24 of the ABCA1 gene, results from an A to G substitution at nucleotide position 3605. The histidine at codon 1202 is replaced by arginine, an amino acid with highly similar properties. This amino acid position is conserved. In addition, this alteration is predicted to be deleterious by in silico analysis. Since supporting evidence is limited at this time, the clinical significance of this alteration remains unclear.

NM_005502.4(ABCA1):c.3605A>G (p.His1202Arg)

Gene: ABCA1 (ATP binding cassette subfamily A member 1; minus strand). Cytogenetic location: 9q31.1.
Variant type: single nucleotide variant.
Coding change: c.3605A>G on transcript NM_005502.4 (MANE Select); coding-DNA position 3605, A replaced by G.
Protein change: p.His1202Arg; replaces histidine 1202 with arginine.
Molecular consequence: missense variant.
Genome position (GRCh38, 1-based): chr9:104,816,276, T>C on the plus strand (A>G on the coding strand, the complement: ABCA1 is on the minus strand). VCF-style: chr9-104816276-T-C. GRCh37 (hg19) VCF-style: chr9-107578557-T-C.
Other names: short protein forms H1202R.
Identifiers: ClinVar variation 1733147 (VCV001733147.2), dbSNP rs2538126411, ClinGen allele CA374318197.